The following is an entry in ClinVar:

NM_022437.3(ABCG8):c.1650G>A (p.Ala550=)

Gene: ABCG8 (ATP binding cassette subfamily G member 8; plus strand). Cytogenetic location: 2p21.
Variant type: single nucleotide variant.
Coding change: c.1650G>A on transcript NM_022437.3 (MANE Select); coding-DNA position 1650, G replaced by A.
Protein change: p.Ala550=; no amino-acid change (alanine 550 retained).
Molecular consequence: synonymous variant.
Genome position (GRCh38, 1-based): chr2:43,875,307, G>A. VCF-style: chr2-43875307-G-A. GRCh37 (hg19) VCF-style: chr2-44102446-G-A.
Other names: c.1647G>A, p.Ala549= (NM_001357321.2).
Identifiers: ClinVar variation 501019 (VCV000501019.14), dbSNP rs145754381, ClinGen allele CA1637580.

ClinVar aggregate classification (germline): Conflicting classifications of pathogenicity. Review status: criteria provided, conflicting classifications (1 of 4 stars). 5 submissions from 5 submitters: Uncertain significance (1); Likely benign (3). 1 of the submissions does not count toward it. Last evaluated 2025-10-27.

Conditions:
ABCG8-related disorder. Also called: ABCG8-related condition.
Cardiovascular phenotype. Identifiers: MedGen CN230736.

Allele frequency attached by ClinVar (database versions not stated): gnomAD exomes 0.00006; ExAC 0.00007; gnomAD 0.00007 and 0.00008; TOPMed 0.00007; ESP Exome Variant Server 0.00008; 1000 Genomes Project 0.00020; 1000 Genomes Project 30x 0.00031.
gnomAD v4.1: 102 of 1,614,126 alleles (0.0063%); highest among the groups gnomAD compares: Middle Eastern, 0.016%; no homozygotes.

Submissions (5):

Labcorp Genetics (formerly Invitae), Labcorp
Classification: Likely benign. Last evaluated: 2025-10-27. Review status: criteria provided, single submitter. Criteria: Invitae Variant Classification Sherloc (09022015). Collection method: clinical testing. Allele origin: germline.

Women's Health and Genetics/Laboratory Corporation of America, LabCorp
Classification: Likely benign. Last evaluated: 2023-08-07. Review status: criteria provided, single submitter. Criteria: LabCorp Variant Classification Summary - May 2015. Collection method: clinical testing. Allele origin: germline.

Ambry Genetics
Classification: Likely benign for Cardiovascular phenotype. Last evaluated: 2022-04-03. Review status: criteria provided, single submitter. Criteria: Ambry Variant Classification Scheme 2023. Collection method: clinical testing. Allele origin: germline.

Eurofins Ntd Llc (ga)
Classification: Uncertain significance. Last evaluated: 2017-03-28. Review status: criteria provided, single submitter. Criteria: EGL Classification Definitions 2015. Collection method: clinical testing. Allele origin: germline. Observed: 2 variant alleles, 2 heterozygotes.

PreventionGenetics, part of Exact Sciences
Classification: Likely benign for ABCG8-related condition. Last evaluated: 2024-06-27. Review status: no assertion criteria provided. Collection method: clinical testing. Allele origin: germline. Not counted in ClinVar's aggregate classification.
Comment: This variant is classified as likely benign based on ACMG/AMP sequence variant interpretation guidelines (Richards et al. 2015 PMID: 25741868, with internal and published modifications).